The following is an entry in ClinVar:

NM_024596.5(MCPH1):c.1027C>T (p.Leu343Phe)

Gene: MCPH1 (microcephalin 1; plus strand). Cytogenetic location: 8p23.1.
Variant type: single nucleotide variant.
Coding change: c.1027C>T on transcript NM_024596.5 (MANE Select); coding-DNA position 1027, C replaced by T.
Protein change: p.Leu343Phe; replaces leucine 343 with phenylalanine.
Molecular consequence: missense variant. On other transcripts: non-coding transcript variant (1).
Genome position (GRCh38, 1-based): chr8:6,444,749, C>T. VCF-style: chr8-6444749-C-T. GRCh37 (hg19) VCF-style: chr8-6302270-C-T.
Other names: c.1027C>T, p.Leu343Phe (NM_001172574.2, NM_001322042.2, NM_001363979.1 and 3 more transcripts); c.883C>T, p.Leu295Phe (NM_001172575.2); c.1021C>T, p.Leu341Phe (NM_001322043.2); c.925C>T, p.Leu309Phe (NM_001322045.2); short protein forms L341F, L343F, L309F, L295F.
Identifiers: ClinVar variation 5000638 (VCV005000638.1).

ClinVar aggregate classification (germline): Uncertain significance (1 of 4 stars; one submission).

Conditions:
MCPH1-related disorder. Also called: MCPH1-related condition.

gnomAD v4.1: 4 of 1,613,936 alleles (0.00025%); highest among the groups gnomAD compares: Non-Finnish European, 0.00034%; no homozygotes.

Submission:

PreventionGenetics, part of Exact Sciences
Classification: Uncertain significance for MCPH1-related condition. Last evaluated: 2025-06-26. Review status: criteria provided, single submitter. Criteria: ACMG Guidelines, 2015. Collection method: clinical testing. Allele origin: germline.
Comment: The MCPH1 c.1027C>T variant is predicted to result in the amino acid substitution p.Leu343Phe. This variant has been reported as heterozygous in an individual with primary microcephaly (Table S7, Gieldon et al. 2018. PubMed ID: 30091983). This variant is reported in 0.00089% of alleles in individuals of European (Non-Finnish) descent in gnomAD. At this time, the clinical significance of this variant is uncertain due to the absence of conclusive functional and genetic evidence.